The following is an entry in ClinVar:

ClinVar aggregate classification (germline): Uncertain significance. Review status: criteria provided, multiple submitters, no conflicts (2 of 4 stars). 3 submissions from 3 submitters: Uncertain significance (3). Last evaluated 2025-10-04.

Conditions:
Ataxia-pancytopenia syndrome (ATXPC). Also called: SAMD9L Ataxia-Pancytopenia Syndrome; SAMD9L-Related Syndrome. Identifiers: Orphanet 2585, MedGen C1327919, MONDO:0008038, OMIM 159550.
Monosomy 7 myelodysplasia and leukemia syndrome 1. Also called: Familial Mosaic Monosomy 7 Syndrome; Monosomy 7 of bone marrow; CHROMOSOME 7q DELETION. Identifiers: MedGen C1854978, MONDO:0009646, OMIM 252270.
Spinocerebellar ataxia 49 (SCA49). Identifiers: Orphanet 631106, MedGen C5676950, MONDO:0030805, OMIM 619806.

Allele frequency attached by ClinVar (database versions not stated): TOPMed below 0.00001; ExAC 0.00001; gnomAD 0.00001; gnomAD exomes 0.00001.
gnomAD v4.1: 11 of 1,613,730 alleles (0.00068%); highest among the groups gnomAD compares: Non-Finnish European, 0.00093%; no homozygotes.

Submissions (3):

Labcorp Genetics (formerly Invitae), Labcorp
Classification: Uncertain significance. Last evaluated: 2025-10-04. Review status: criteria provided, single submitter. Criteria: Invitae Variant Classification Sherloc (09022015). Collection method: clinical testing. Allele origin: germline.
Comment: This sequence change replaces aspartic acid, which is acidic and polar, with histidine, which is basic and polar, at codon 1190 of the SAMD9L protein (p.Asp1190His). This variant is present in population databases (rs754761518, gnomAD 0.002%). This variant has not been reported in the literature in individuals affected with SAMD9L-related conditions. ClinVar contains an entry for this variant (Variation ID: 1015386). Invitae Evidence Modeling of protein sequence and biophysical properties (such as structural, functional, and spatial information, amino acid conservation, physicochemical variation, residue mobility, and thermodynamic stability) indicates that this missense variant is not expected to disrupt SAMD9L protein function with a negative predictive value of 80%. In summary, the available evidence is currently insufficient to determine the role of this variant in disease. Therefore, it has been classified as a Variant of Uncertain Significance.

Fulgent Genetics
Classification: Uncertain significance for Ataxia-pancytopenia syndrome; Monosomy 7 myelodysplasia and leukemia syndrome 1; Spinocerebellar ataxia 49. Last evaluated: 2024-03-19. Review status: criteria provided, single submitter. Criteria: ACMG Guidelines, 2015. Collection method: clinical testing. Allele origin: germline.

GeneDx
Classification: Uncertain significance. Last evaluated: 2022-09-15. Review status: criteria provided, single submitter. Criteria: GeneDx Variant Classification Process June 2021. Collection method: clinical testing. Allele origin: germline. Affected: yes.
Comment: Not observed at significant frequency in large population cohorts (gnomAD); In silico analysis supports that this missense variant does not alter protein structure/function; Has not been previously published as pathogenic or benign to our knowledge

NM_152703.5(SAMD9L):c.3568G>C (p.Asp1190His)

Gene: SAMD9L (sterile alpha motif domain containing 9 like; minus strand). Cytogenetic location: 7q21.2.
Variant type: single nucleotide variant.
Coding change: c.3568G>C on transcript NM_152703.5 (MANE Select); coding-DNA position 3568, G replaced by C.
Protein change: p.Asp1190His; replaces aspartic acid 1190 with histidine.
Molecular consequence: missense variant.
Genome position (GRCh38, 1-based): chr7:93,132,404, C>G on the plus strand (G>C on the coding strand, the complement: SAMD9L is on the minus strand). VCF-style: chr7-93132404-C-G. GRCh37 (hg19) VCF-style: chr7-92761717-C-G.
Other names: c.3568G>C (NM_152703.3); c.3568G>C, p.Asp1190His (NM_001303497.3, NM_001303498.3, NM_001303500.3 and 5 more transcripts); short protein forms D1190H.
Identifiers: ClinVar variation 1015386 (VCV001015386.10), dbSNP rs754761518, ClinGen allele CA4343433.